The following is an entry in ClinVar:

ClinVar aggregate classification (germline): Pathogenic (1 of 4 stars; one submission).

Allele frequency attached by ClinVar (database versions not stated): gnomAD exomes 0.00001.
gnomAD v4.1: 20 of 1,613,920 alleles (0.0012%); highest among the groups gnomAD compares: Non-Finnish European, 0.0015%; no homozygotes.

Submission:

Labcorp Genetics (formerly Invitae), Labcorp
Classification: Pathogenic. Last evaluated: 2025-10-06. Review status: criteria provided, single submitter. Criteria: Invitae Variant Classification Sherloc (09022015). Collection method: clinical testing. Allele origin: germline.
Comment: This sequence change creates a premature translational stop signal (p.Gln748*) in the LAMC3 gene. It is expected to result in an absent or disrupted protein product. Loss-of-function variants in LAMC3 are known to be pathogenic (PMID: 21572413, 26802095). This variant is present in population databases (no rsID available, gnomAD 0.0009%). This variant has not been reported in the literature in individuals affected with LAMC3-related conditions. ClinVar contains an entry for this variant (Variation ID: 1935953). For these reasons, this variant has been classified as Pathogenic.

Literature cited by the submitters: PubMed 21572413; PubMed 26802095.

NM_006059.4(LAMC3):c.2242C>T (p.Gln748Ter)

Gene: LAMC3 (laminin subunit gamma 3; plus strand). Cytogenetic location: 9q34.12.
Variant type: single nucleotide variant.
Coding change: c.2242C>T on transcript NM_006059.4 (MANE Select); coding-DNA position 2242, C replaced by T.
Protein change: p.Gln748Ter; replaces glutamine 748 with a stop codon.
Molecular consequence: nonsense.
Genome position (GRCh38, 1-based): chr9:131,061,118, C>T. VCF-style: chr9-131061118-C-T. GRCh37 (hg19) VCF-style: chr9-133936505-C-T.
Other names: short protein forms Q748*.
Identifiers: ClinVar variation 1935953 (VCV001935953.5), dbSNP rs1454292836, ClinGen allele CA375266953.